The following is an entry in ClinVar:

ClinVar aggregate classification (germline): Uncertain significance (1 of 4 stars; one submission).

Submission:

GeneDx
Classification: Uncertain significance. Last evaluated: 2024-12-31. Review status: criteria provided, single submitter. Criteria: GeneDx Variant Classification Process June 2021. Collection method: clinical testing. Allele origin: germline. Affected: yes.
Comment: Not observed at significant frequency in large population cohorts (gnomAD); In silico analysis supports that this missense variant has a deleterious effect on protein structure/function; Has not been previously published as pathogenic or benign to our knowledge

NM_004208.4(AIFM1):c.592G>A (p.Gly198Arg)

Genes: AIFM1 (apoptosis inducing factor mitochondria associated 1; minus strand), RAB33A (RAB33A, member RAS oncogene family; plus strand). Cytogenetic location: Xq26.1.
Variant type: single nucleotide variant.
Coding change: c.592G>A on transcript NM_004208.4 (MANE Select); coding-DNA position 592, G replaced by A.
Protein change: p.Gly198Arg; replaces glycine 198 with arginine.
Molecular consequence: missense variant. On other transcripts: non-coding transcript variant (1).
Genome position (GRCh38, 1-based): chrX:130,147,506, C>T on the plus strand (G>A on the coding strand, the complement: AIFM1 is on the minus strand). VCF-style: chrX-130147506-C-T. GRCh37 (hg19) VCF-style: chrX-129281481-C-T.
Other names: c.592G>A, p.Gly198Arg (NM_001130847.4); c.580G>A, p.Gly194Arg (NM_145812.3); short protein forms G194R, G198R.
Identifiers: ClinVar variation 3908052 (VCV003908052.1).
Genomic context (GRCh38, chrX:130,147,506, plus strand): 5'-TGTGCTTAGCTGAAGTTGATAGGCTCATTTTACATAAGCAAACACACCTTCTCTCTTTTC[C>T]ATTCCACTGTTTGAATCGCAGTGTCTTTGTGACATTTGGGTCATCTGAAAACCACAGTTC-3'
Protein context (NP_004199.1, residues 188-208): TKTLRFKQWN[Gly198Arg]KERSIYFQPP